The following is an entry in ClinVar:

ClinVar aggregate classification (germline): Uncertain significance (1 of 4 stars; one submission).

Submission:

Ambry Genetics
Classification: Uncertain significance. Last evaluated: 2025-10-11. Review status: criteria provided, single submitter. Criteria: Ambry Variant Classification Scheme 2023. Collection method: clinical testing. Allele origin: germline.
Comment: The p.Y305C variant (also known as c.914A>G), located in coding exon 1 of the CDK12 gene, results from an A to G substitution at nucleotide position 914. The tyrosine at codon 305 is replaced by cysteine, an amino acid with highly dissimilar properties. This amino acid position is conserved. In addition, the in silico prediction for this alteration is inconclusive. Based on the available evidence, the clinical significance of this variant remains unclear.

NM_016507.4(CDK12):c.914A>G (p.Tyr305Cys)

Genes: CDK12 (cyclin dependent kinase 12; plus strand), LOC126862553 (CDK7 strongly-dependent group 2 enhancer GRCh37_chr17:37618166-37619365; plus strand). Cytogenetic location: 17q12.
Variant type: single nucleotide variant.
Coding change: c.914A>G on transcript NM_016507.4 (MANE Select); coding-DNA position 914, A replaced by G.
Protein change: p.Tyr305Cys; replaces tyrosine 305 with cysteine.
Molecular consequence: missense variant.
Genome position (GRCh38, 1-based): chr17:39,462,985, A>G. VCF-style: chr17-39462985-A-G. GRCh37 (hg19) VCF-style: chr17-37619238-A-G.
Other names: c.914A>G, p.Tyr305Cys (NM_015083.4); short protein forms Y305C.
Identifiers: ClinVar variation 4651370 (VCV004651370.1).
Genomic context (GRCh38, chr17:39,462,985, plus strand): 5'-ACCAGTCCAGCACCCGGTCACCGAGCCCCTACAGTAGGCGACAGAGATCTGTCAGTCCCT[A>G]TAGCAGGAGACGGTCGTCCAGCTACGAAAGAAGTGGCTCTTACAGCGGGCGATCGCCCAG-3'
Protein context (NP_057591.2, residues 295-315): YSRRQRSVSP[Tyr305Cys]SRRRSSSYER